The following is an entry in ClinVar:

NM_004074.3(COX8A):c.26T>A (p.Leu9Gln)

Genes: COX8A (cytochrome c oxidase subunit 8A; plus strand), LOC130005904 (ATAC-STARR-seq lymphoblastoid active region 4880; plus strand). Cytogenetic location: 11q13.1.
Variant type: single nucleotide variant.
Coding change: c.26T>A on transcript NM_004074.3 (MANE Select); coding-DNA position 26, T replaced by A.
Protein change: p.Leu9Gln; replaces leucine 9 with glutamine.
Molecular consequence: missense variant.
Genome position (GRCh38, 1-based): chr11:63,974,706, T>A. VCF-style: chr11-63974706-T-A. GRCh37 (hg19) VCF-style: chr11-63742178-T-A.
Other names: short protein forms L9Q.
Identifiers: ClinVar variation 1912438 (VCV001912438.5), dbSNP rs1450249002, ClinGen allele CA381055466.
Genomic context (GRCh38, chr11:63,974,706, plus strand): 5'-GGCTGACCGTTTTTTGTGGTGTACTCCGTGCCATCATGTCCGTCCTGACGCCGCTGCTGC[T>A]GCGGGGCTTGACAGGCTCGGCCCGGCGGCTCCCAGTGCCGCGCGCCAAGATCCATTCGTT-3'
Protein context (NP_004065.1, residues 1-19): MSVLTPLL[Leu9Gln]RGLTGSARRL

ClinVar aggregate classification (germline): Uncertain significance (1 of 4 stars; one submission).

Allele frequency attached by ClinVar (database versions not stated): TOPMed below 0.00001; gnomAD 0.00003.
gnomAD v4.1: 18 of 1,610,110 alleles (0.0011%); highest among the groups gnomAD compares: Non-Finnish European, 0.0015%; no homozygotes.

Submission:

Labcorp Genetics (formerly Invitae), Labcorp
Classification: Uncertain significance. Last evaluated: 2025-03-07. Review status: criteria provided, single submitter. Criteria: Invitae Variant Classification Sherloc (09022015). Collection method: clinical testing. Allele origin: germline.
Comment: This sequence change replaces leucine, which is neutral and non-polar, with glutamine, which is neutral and polar, at codon 9 of the COX8A protein (p.Leu9Gln). This variant is present in population databases (no rsID available, gnomAD 0.004%). This variant has not been reported in the literature in individuals affected with COX8A-related conditions. ClinVar contains an entry for this variant (Variation ID: 1912438). An algorithm developed to predict the effect of missense changes on protein structure and function (PolyPhen-2) suggests that this variant is likely to be disruptive. In summary, the available evidence is currently insufficient to determine the role of this variant in disease. Therefore, it has been classified as a Variant of Uncertain Significance.